The following is an entry in ClinVar:

NM_022039.4(FBXW4):c.481G>A (p.Gly161Arg)

Genes: FBXW4 (F-box and WD repeat domain containing 4; minus strand), LOC130004563 (ATAC-STARR-seq lymphoblastoid silent region 2723; plus strand). Cytogenetic location: 10q24.32.
Variant type: single nucleotide variant.
Coding change: c.481G>A on transcript NM_022039.4 (MANE Select); coding-DNA position 481, G replaced by A.
Protein change: p.Gly161Arg; replaces glycine 161 with arginine.
Molecular consequence: missense variant. On other transcripts: non-coding transcript variant (1), intron variant (1).
Genome position (GRCh38, 1-based): chr10:101,694,625, C>T on the plus strand (G>A on the coding strand, the complement: FBXW4 is on the minus strand). VCF-style: chr10-101694625-C-T. GRCh37 (hg19) VCF-style: chr10-103454382-C-T.
Other names: c.-2+615G>A (NM_001323541.2); short protein forms G161R.
Identifiers: ClinVar variation 3669116 (VCV003669116.2).

ClinVar aggregate classification (germline): Uncertain significance (1 of 4 stars; one submission).

gnomAD v4.1: 9 of 1,430,258 alleles (0.00063%); highest among the groups gnomAD compares: East Asian, 0.023%; no homozygotes.

Submission:

Labcorp Genetics (formerly Invitae), Labcorp
Classification: Uncertain significance. Last evaluated: 2024-12-04. Review status: criteria provided, single submitter. Criteria: Invitae Variant Classification Sherloc (09022015). Collection method: clinical testing. Allele origin: germline.
Comment: This sequence change replaces glycine, which is neutral and non-polar, with arginine, which is basic and polar, at codon 6 of the FBXW4 protein (p.Gly6Arg). The frequency data for this variant in the population databases is considered unreliable, as metrics indicate poor data quality at this position in the gnomAD database. This variant has not been reported in the literature in individuals affected with FBXW4-related conditions. Experimental studies and prediction algorithms are not available or were not evaluated, and the functional significance of this variant is currently unknown. In summary, the available evidence is currently insufficient to determine the role of this variant in disease. Therefore, it has been classified as a Variant of Uncertain Significance.